The following is an entry in ClinVar:

NM_001242896.3(DEPDC5):c.1352A>G (p.Asn451Ser)

Gene: DEPDC5 (DEP domain containing 5, GATOR1 subcomplex subunit; plus strand). Cytogenetic location: 22q12.3.
Variant type: single nucleotide variant.
Coding change: c.1352A>G on transcript NM_001242896.3 (MANE Select); coding-DNA position 1352, A replaced by G.
Protein change: p.Asn451Ser; replaces asparagine 451 with serine.
Molecular consequence: missense variant. On other transcripts: non-coding transcript variant (5).
Genome position (GRCh38, 1-based): chr22:31,810,548, A>G. VCF-style: chr22-31810548-A-G. GRCh37 (hg19) VCF-style: chr22-32206534-A-G.
Other names: c.1352A>G, p.Asn451Ser (NM_001007188.4, NM_001136029.4, NM_001242897.2 and 7 more transcripts); c.1268A>G, p.Asn423Ser (NM_001369901.1, NM_001369902.1); short protein forms N423S, N451S.
Identifiers: ClinVar variation 1303749 (VCV001303749.2), dbSNP rs2148707237, ClinGen allele CA411276776.

ClinVar aggregate classification (germline): Uncertain significance (1 of 4 stars; one submission).

Submission:

GeneDx
Classification: Uncertain significance. Last evaluated: 2019-07-25. Review status: criteria provided, single submitter. Criteria: GeneDx Variant Classification Process June 2021. Collection method: clinical testing. Allele origin: germline. Affected: yes.
Comment: Not observed in large population cohorts (Lek et al., 2016); In silico analysis, which includes protein predictors and evolutionary conservation, supports that this variant does not alter protein structure/function; Has not been previously published as pathogenic or benign to our knowledge